The following is an entry in ClinVar:

NM_003482.4(KMT2D):c.9439G>A (p.Ala3147Thr)

Gene: KMT2D (lysine methyltransferase 2D; minus strand). Cytogenetic location: 12q13.12.
Variant type: single nucleotide variant.
Coding change: c.9439G>A on transcript NM_003482.4 (MANE Select); coding-DNA position 9439, G replaced by A.
Protein change: p.Ala3147Thr; replaces alanine 3147 with threonine.
Molecular consequence: missense variant.
Genome position (GRCh38, 1-based): chr12:49,037,917, C>T on the plus strand (G>A on the coding strand, the complement: KMT2D is on the minus strand). VCF-style: chr12-49037917-C-T. GRCh37 (hg19) VCF-style: chr12-49431700-C-T.
Other names: short protein forms A3147T.
Identifiers: ClinVar variation 547462 (VCV000547462.5), dbSNP rs1555190514, ClinGen allele CA384737939.

ClinVar aggregate classification (germline): Conflicting classifications of pathogenicity. Review status: criteria provided, conflicting classifications (1 of 4 stars). 3 submissions from 3 submitters: Uncertain significance (2); Likely benign (1). Last evaluated 2025-09-15.

Conditions:
Kabuki syndrome 1 (KABUK1). Also called: KMT2D-Related Kabuki Syndrome. Identifiers: Orphanet 2322, MedGen CN030661, MONDO:0007843, OMIM 147920.
Choanal atresia-athelia-hypothyroidism-delayed puberty-short stature syndrome (BCAHH). Also called: BRANCHIAL ARCH ABNORMALITIES, CHOANAL ATRESIA, ATHELIA, HEARING LOSS, AND HYPOTHYROIDISM SYNDROME. Identifiers: Orphanet 589856, MedGen C5680310, MONDO:0035651, OMIM 620186.
Kabuki syndrome. Also called: NIIKAWA-KUROKI SYNDROME; Kabuki make-up syndrome. Identifiers: Orphanet 2322, MedGen C0796004, MONDO:0016512.

Allele frequency attached by ClinVar (database versions not stated): gnomAD exomes below 0.00001.
gnomAD v4.1: 2 of 1,604,488 alleles (0.00012%); highest among the groups gnomAD compares: Non-Finnish European, 0.00017%; no homozygotes.

Submissions (3):

Labcorp Genetics (formerly Invitae), Labcorp
Classification: Uncertain significance for Kabuki syndrome. Last evaluated: 2025-09-15. Review status: criteria provided, single submitter. Criteria: Invitae Variant Classification Sherloc (09022015). Collection method: clinical testing. Allele origin: germline.
Comment: This sequence change replaces alanine, which is neutral and non-polar, with threonine, which is neutral and polar, at codon 3147 of the KMT2D protein (p.Ala3147Thr). This variant is not present in population databases (gnomAD no frequency). This variant has not been reported in the literature in individuals affected with KMT2D-related conditions. ClinVar contains an entry for this variant (Variation ID: 547462). Invitae Evidence Modeling of protein sequence and biophysical properties (such as structural, functional, and spatial information, amino acid conservation, physicochemical variation, residue mobility, and thermodynamic stability) indicates that this missense variant is not expected to disrupt KMT2D protein function with a negative predictive value of 95%. In summary, the available evidence is currently insufficient to determine the role of this variant in disease. Therefore, it has been classified as a Variant of Uncertain Significance.

Fulgent Genetics
Classification: Uncertain significance for Kabuki syndrome 1; Choanal atresia-athelia-hypothyroidism-delayed puberty-short stature syndrome. Last evaluated: 2024-05-21. Review status: criteria provided, single submitter. Criteria: ACMG Guidelines, 2015. Collection method: clinical testing. Allele origin: germline.

Center for Human Genetics, Inc
Classification: Likely benign for Kabuki syndrome 1. Last evaluated: 2016-11-01. Review status: criteria provided, single submitter. Criteria: ACMG Guidelines, 2015. Collection method: clinical testing. Allele origin: germline. Affected: yes.